The following is an entry in ClinVar:

ClinVar aggregate classification (germline): Pathogenic (1 of 4 stars; one submission).

Submission:

ISCA Site 6
Classification: Pathogenic. Last evaluated: 2011-08-12. Review status: criteria provided, single submitter. Criteria: Kaminsky et al. (Genet Med. 2011). Collection method: clinical testing. Allele origin: unknown. Affected: yes. Observed: 1 variant allele.
Comment: Copy number variation identified through the course of routine clinical cytogenomic testing in postnatal populations. Clinical assertions have been curated as described in Kaminsky et al. 2011.

GRCh38/hg38 1q21.1-21.2(chr1:146987841-148444397)x3

Genes: ACP6 (acid phosphatase 6, lysophosphatidic; minus strand), BCL9 (BCL9 transcription coactivator; plus strand), CHD1L (chromodomain helicase DNA binding protein 1 like; plus strand), FMO5 (flavin containing dimethylaniline monoxygenase 5; minus strand), GJA5 (gap junction protein alpha 5; minus strand) and 53 more. Cytogenetic location: 1q21.1-21.2.
Variant type: copy number gain.
Change: copy number 3 (three copies instead of two) of chr1:146,987,841-148,444,397 (1.46 Mb, GRCh38 coordinates, 1-based), cytogenetic band 1q21.1-21.2.
Identifiers: ClinVar variation 59356 (VCV000059356.2).